The following is an entry in ClinVar:

NM_031935.3(HMCN1):c.10729A>T (p.Thr3577Ser)

Gene: HMCN1 (hemicentin 1; plus strand). Cytogenetic location: 1q31.1.
Variant type: single nucleotide variant.
Coding change: c.10729A>T on transcript NM_031935.3 (MANE Select); coding-DNA position 10729, A replaced by T.
Protein change: p.Thr3577Ser; replaces threonine 3577 with serine.
Molecular consequence: missense variant.
Genome position (GRCh38, 1-based): chr1:186,103,627, A>T. VCF-style: chr1-186103627-A-T. GRCh37 (hg19) VCF-style: chr1-186072759-A-T.
Other names: short protein forms T3577S.
Identifiers: ClinVar variation 2958404 (VCV002958404.3), dbSNP rs753986022, ClinGen allele CA33492449.

ClinVar aggregate classification (germline): Uncertain significance (1 of 4 stars; one submission).

Allele frequency attached by ClinVar (database versions not stated): gnomAD 0.00001; TOPMed 0.00002; gnomAD exomes 0.00003.
gnomAD v4.1: 42 of 1,613,650 alleles (0.0026%); highest among the groups gnomAD compares: Non-Finnish European, 0.0035%; 1 homozygote.

Submission:

Labcorp Genetics (formerly Invitae), Labcorp
Classification: Uncertain significance. Last evaluated: 2023-12-09. Review status: criteria provided, single submitter. Criteria: Invitae Variant Classification Sherloc (09022015). Collection method: clinical testing. Allele origin: germline.
Comment: This sequence change replaces threonine, which is neutral and polar, with serine, which is neutral and polar, at codon 3577 of the HMCN1 protein (p.Thr3577Ser). This variant is not present in population databases (gnomAD no frequency). This variant has not been reported in the literature in individuals affected with HMCN1-related conditions. Algorithms developed to predict the effect of missense changes on protein structure and function output the following: SIFT: "Not Available"; PolyPhen-2: "Benign"; Align-GVGD: "Not Available". The serine amino acid residue is found in multiple mammalian species, which suggests that this missense change does not adversely affect protein function. In summary, the available evidence is currently insufficient to determine the role of this variant in disease. Therefore, it has been classified as a Variant of Uncertain Significance.